The following is an entry in ClinVar:

NM_001379270.1(CNGA1):c.1932T>A (p.Tyr644Ter)

Genes: CNGA1 (cyclic nucleotide gated channel subunit alpha 1; minus strand), LOC101927157 (uncharacterized LOC101927157; plus strand). Cytogenetic location: 4p12.
Variant type: single nucleotide variant.
Coding change: c.1932T>A on transcript NM_001379270.1 (MANE Select); coding-DNA position 1932, T replaced by A.
Protein change: p.Tyr644Ter; replaces tyrosine 644 with a stop codon.
Molecular consequence: nonsense.
Genome position (GRCh38, 1-based): chr4:47,936,550, A>T on the plus strand (T>A on the coding strand, the complement: CNGA1 is on the minus strand). VCF-style: chr4-47936550-A-T. GRCh37 (hg19) VCF-style: chr4-47938567-A-T.
Other names: c.1932T>A, p.Tyr644Ter (NM_000087.5, NM_001142564.2); short protein forms Y644*.
Identifiers: ClinVar variation 1069447 (VCV001069447.9), dbSNP rs762706687, ClinGen allele CA356823151.

ClinVar aggregate classification (germline): Pathogenic (1 of 4 stars; one submission).

gnomAD v4.1: 1 of 1,614,104 alleles (0.000062%); highest among the groups gnomAD compares: Admixed American, 0.0017%; no homozygotes.

Submission:

Labcorp Genetics (formerly Invitae), Labcorp
Classification: Pathogenic. Last evaluated: 2024-12-23. Review status: criteria provided, single submitter. Criteria: Invitae Variant Classification Sherloc (09022015). Collection method: clinical testing. Allele origin: germline.
Comment: This sequence change creates a premature translational stop signal (p.Tyr648*) in the CNGA1 gene. While this is not anticipated to result in nonsense mediated decay, it is expected to disrupt the last 43 amino acid(s) of the CNGA1 protein. This variant is present in population databases (no rsID available, gnomAD 0.1%). This variant has not been reported in the literature in individuals affected with CNGA1-related conditions. ClinVar contains an entry for this variant (Variation ID: 1069447). This variant disrupts a region of the CNGA1 protein in which other variant(s) (p.Arg658Aspfs*2) have been determined to be pathogenic (PMID: 7479749, 24265693). This suggests that this is a clinically significant region of the protein, and that variants that disrupt it are likely to be disease-causing. For these reasons, this variant has been classified as Pathogenic.

Literature cited by the submitters: PubMed 7479749; PubMed 24265693.